The following is an entry in ClinVar:

ClinVar aggregate classification (germline): Uncertain significance. Review status: criteria provided, multiple submitters, no conflicts (2 of 4 stars). 4 submissions from 4 submitters: Uncertain significance (4). Last evaluated 2024-07-22.

Conditions:
Familial cancer of breast. Also called: Hereditary breast cancer; hereditary breast carcinoma; BREAST CANCER, FAMILIAL. Identifiers: Orphanet 227535, MedGen C0346153, MONDO:0016419, OMIM 114480. Disease mechanism: loss of function.
Hereditary cancer-predisposing syndrome. Also called: Hereditary Cancer Syndrome; Neoplastic Syndromes, Hereditary; Hereditary neoplastic syndrome; Tumor predisposition. Identifiers: Orphanet 140162, MedGen C0027672, MeSH D009386, MONDO:0015356.
Ataxia-telangiectasia syndrome (AT). Also called: Cerebello-oculocutaneous telangiectasia; Immunodeficiency with ataxia telangiectasia; Ataxia-telangiectasia, complementation group E; Ataxia-telangiectasia, complementation group D; AT, COMPLEMENTATION GROUP C; ATAXIA-TELANGIECTASIA, COMPLEMENTATION GROUP A. Identifiers: Orphanet 100, MedGen C0004135, MONDO:0008840, OMIM 208900.

Submissions (4):

GeneDx
Classification: Uncertain significance. Last evaluated: 2024-07-22. Review status: criteria provided, single submitter. Criteria: GeneDx Variant Classification Process June 2021. Collection method: clinical testing. Allele origin: germline. Affected: yes.
Comment: Not observed at significant frequency in large population cohorts (gnomAD); In silico analysis supports that this missense variant has a deleterious effect on protein structure/function; Has not been previously published as pathogenic or benign to our knowledge; This variant is associated with the following publications: (PMID: 19781682)

Baylor Genetics
Classification: Uncertain significance for Familial cancer of breast. Last evaluated: 2023-08-09. Review status: criteria provided, single submitter. Criteria: ACMG Guidelines, 2015. Collection method: clinical testing. Allele origin: unknown.

Ambry Genetics
Classification: Uncertain significance for Hereditary cancer-predisposing syndrome. Last evaluated: 2023-04-13. Review status: criteria provided, single submitter. Criteria: Ambry Variant Classification Scheme 2023. Collection method: clinical testing. Allele origin: germline.
Comment: The p.C977F variant (also known as c.2930G>T), located in coding exon 19 of the ATM gene, results from a G to T substitution at nucleotide position 2930. The cysteine at codon 977 is replaced by phenylalanine, an amino acid with highly dissimilar properties. This amino acid position is highly conserved in available vertebrate species. In addition, this alteration is predicted to be deleterious by in silico analysis. Since supporting evidence is limited at this time, the clinical significance of this alteration remains unclear.

Labcorp Genetics (formerly Invitae), Labcorp
Classification: Uncertain significance for Ataxia-telangiectasia syndrome. Last evaluated: 2022-02-10. Review status: criteria provided, single submitter. Criteria: Invitae Variant Classification Sherloc (09022015). Collection method: clinical testing. Allele origin: germline.
Comment: This sequence change replaces cysteine, which is neutral and slightly polar, with phenylalanine, which is neutral and non-polar, at codon 977 of the ATM protein (p.Cys977Phe). This variant is not present in population databases (gnomAD no frequency). This variant has not been reported in the literature in individuals affected with ATM-related conditions. ClinVar contains an entry for this variant (Variation ID: 822282). Advanced modeling of protein sequence and biophysical properties (such as structural, functional, and spatial information, amino acid conservation, physicochemical variation, residue mobility, and thermodynamic stability) performed at Invitae indicates that this missense variant is not expected to disrupt ATM protein function. In summary, the available evidence is currently insufficient to determine the role of this variant in disease. Therefore, it has been classified as a Variant of Uncertain Significance.

NM_000051.4(ATM):c.2930G>T (p.Cys977Phe)

Gene: ATM (ATM serine/threonine kinase; plus strand). Cytogenetic location: 11q22.3.
Variant type: single nucleotide variant.
Coding change: c.2930G>T on transcript NM_000051.4 (MANE Select); coding-DNA position 2930, G replaced by T.
Protein change: p.Cys977Phe; replaces cysteine 977 with phenylalanine.
Molecular consequence: missense variant.
Genome position (GRCh38, 1-based): chr11:108,271,259, G>T. VCF-style: chr11-108271259-G-T. GRCh37 (hg19) VCF-style: chr11-108141986-G-T.
Other names: c.2930G>T, p.Cys977Phe (NM_001351834.2); short protein forms C977F.
Identifiers: ClinVar variation 822282 (VCV000822282.16), dbSNP rs876660628, ClinGen allele CA382547100.